The following is an entry in ClinVar:

NM_000548.5(TSC2):c.3956_3962del (p.Asp1319fs)

Gene: TSC2 (TSC complex subunit 2; plus strand). Cytogenetic location: 16p13.3.
Variant type: Deletion.
Coding change: c.3956_3962del on transcript NM_000548.5 (MANE Select); coding-DNA positions 3956 to 3962, 7 bases deleted (ACGTTGA; older notation c.3956_3962delACGTTGA).
Protein change: p.Asp1319fs; shifts the reading frame from aspartic acid 1319.
Molecular consequence: frameshift variant.
Genome position (GRCh38, 1-based): chr16:2,083,767-2,083,773, ACGTTGA deleted. VCF-style (leftmost placement, unchanged base first): chr16-2083766-GACGTTGA-G. GRCh37 (hg19) VCF-style: chr16-2133767-GACGTTGA-G.
Other names: c.3755_3761del, p.Asp1252fs (NM_001077183.3); c.3887_3893del, p.Asp1296fs (NM_001114382.3); c.3647_3653del, p.Asp1216fs (NM_001318827.2); c.3611_3617del, p.Asp1204fs (NM_001318829.2); c.3224_3230del, p.Asp1075fs (NM_001318831.2); c.3788_3794del, p.Asp1263fs (NM_001318832.2); c.3758_3764del, p.Asp1253fs (NM_001363528.2); c.3824_3830del, p.Asp1275fs (NM_001370404.1); and 1 more; short protein forms D1252fs, D1253fs, D1296fs, D1204fs, D1275fs, D1075fs, D1216fs, D1263fs.
Identifiers: ClinVar variation 1396187 (VCV001396187.6), dbSNP rs2151512637, ClinGen allele CA2573151572.

ClinVar aggregate classification (germline): Pathogenic (1 of 4 stars; one submission).

Conditions:
Tuberous sclerosis 2 (TSC2). Identifiers: Orphanet 805, MedGen C1860707, MONDO:0013199, OMIM 613254.

Submission:

Labcorp Genetics (formerly Invitae), Labcorp
Classification: Pathogenic for Tuberous sclerosis 2. Last evaluated: 2021-03-10. Review status: criteria provided, single submitter. Criteria: Invitae Variant Classification Sherloc (09022015). Collection method: clinical testing. Allele origin: germline.
Comment: This variant has not been reported in the literature in individuals with TSC2-related conditions. This sequence change creates a premature translational stop signal (p.Asp1319Glyfs*4) in the TSC2 gene. It is expected to result in an absent or disrupted protein product. Loss-of-function variants in TSC2 are known to be pathogenic (PMID: 10205261, 17304050). This variant is not present in population databases (ExAC no frequency). For these reasons, this variant has been classified as Pathogenic.

Literature cited by the submitters: PubMed 10205261; PubMed 17304050.